The following is an entry in ClinVar:

NM_033641.4(COL4A6):c.2369C>G (p.Pro790Arg)

Gene: COL4A6 (collagen type IV alpha 6 chain; minus strand). Cytogenetic location: Xq22.3.
Variant type: single nucleotide variant.
Coding change: c.2369C>G on transcript NM_033641.4 (MANE Select); coding-DNA position 2369, C replaced by G.
Protein change: p.Pro790Arg; replaces proline 790 with arginine.
Molecular consequence: missense variant.
Genome position (GRCh38, 1-based): chrX:108,178,830, G>C on the plus strand (C>G on the coding strand, the complement: COL4A6 is on the minus strand). VCF-style: chrX-108178830-G-C. GRCh37 (hg19) VCF-style: chrX-107422060-G-C.
Other names: c.2420C>G, p.Pro807Arg (NM_001287758.2); c.2369C>G, p.Pro790Arg (NM_001287759.2, NM_001287760.2, NM_001440760.1); c.2372C>G, p.Pro791Arg (NM_001440759.1, NM_001847.4); short protein forms P791R, P807R, P790R.
Identifiers: ClinVar variation 4779219 (VCV004779219.1).

ClinVar aggregate classification (germline): Uncertain significance (1 of 4 stars; one submission).

gnomAD v4.1: 2 of 1,208,159 alleles (0.00017%); highest among the groups gnomAD compares: African/African-American, 0.0035%; no homozygotes.

Submission:

Labcorp Genetics (formerly Invitae), Labcorp
Classification: Uncertain significance. Last evaluated: 2025-09-11. Review status: criteria provided, single submitter. Criteria: Invitae Variant Classification Sherloc (09022015). Collection method: clinical testing. Allele origin: germline.
Comment: This sequence change replaces proline, which is neutral and non-polar, with arginine, which is basic and polar, at codon 791 of the COL4A6 protein (p.Pro791Arg). This variant is not present in population databases (gnomAD no frequency). This variant has not been reported in the literature in individuals affected with COL4A6-related conditions. Invitae Evidence Modeling of protein sequence and biophysical properties (such as structural, functional, and spatial information, amino acid conservation, physicochemical variation, residue mobility, and thermodynamic stability) indicates that this missense variant is not expected to disrupt COL4A6 protein function with a negative predictive value of 80%. In summary, the available evidence is currently insufficient to determine the role of this variant in disease. Therefore, it has been classified as a Variant of Uncertain Significance.